The following is an entry in ClinVar:

ClinVar aggregate classification (germline): Uncertain significance (1 of 4 stars; one submission).

Allele frequency attached by ClinVar (database versions not stated): gnomAD exomes below 0.00001 and 0.00001; ExAC 0.00001.
gnomAD v4.1: 13 of 1,611,936 alleles (0.00081%); highest among the groups gnomAD compares: South Asian, 0.0011%; no homozygotes.

Submission:

GeneDx
Classification: Uncertain significance. Last evaluated: 2020-03-09. Review status: criteria provided, single submitter. Criteria: GeneDx Variant Classification Process June 2021. Collection method: clinical testing. Allele origin: germline. Affected: yes.
Comment: Not observed at a significant frequency in large population cohorts (Lek et al., 2016); In silico analysis supports that this missense variant has a deleterious effect on protein structure/function; Has not been previously published as pathogenic or benign to our knowledge

NM_004667.6(HERC2):c.6091C>T (p.Arg2031Trp)

Gene: HERC2 (HECT and RLD domain containing E3 ubiquitin protein ligase 2; minus strand). Cytogenetic location: 15q13.1.
Variant type: single nucleotide variant.
Coding change: c.6091C>T on transcript NM_004667.6 (MANE Select); coding-DNA position 6091, C replaced by T.
Protein change: p.Arg2031Trp; replaces arginine 2031 with tryptophan.
Molecular consequence: missense variant.
Genome position (GRCh38, 1-based): chr15:28,215,740, G>A on the plus strand (C>T on the coding strand, the complement: HERC2 is on the minus strand). VCF-style: chr15-28215740-G-A. GRCh37 (hg19) VCF-style: chr15-28460886-G-A.
Other names: short protein forms R2031W.
Identifiers: ClinVar variation 1318465 (VCV001318465.2), dbSNP rs746861653, ClinGen allele CA7442158.